The following is an entry in ClinVar:

NM_004336.5(BUB1):c.1199T>C (p.Val400Ala)

Gene: BUB1 (BUB1 mitotic checkpoint serine/threonine kinase; minus strand). Cytogenetic location: 2q13.
Variant type: single nucleotide variant.
Coding change: c.1199T>C on transcript NM_004336.5 (MANE Select); coding-DNA position 1199, T replaced by C.
Protein change: p.Val400Ala; replaces valine 400 with alanine.
Molecular consequence: missense variant.
Genome position (GRCh38, 1-based): chr2:110,661,600, A>G on the plus strand (T>C on the coding strand, the complement: BUB1 is on the minus strand). VCF-style: chr2-110661600-A-G. GRCh37 (hg19) VCF-style: chr2-111419177-A-G.
Other names: c.1139T>C, p.Val380Ala (NM_001278616.2); c.1199T>C, p.Val400Ala (NM_001278617.2); short protein forms V380A, V400A.
Identifiers: ClinVar variation 3223990 (VCV003223990.1), dbSNP rs2468017175, ClinGen allele CA348214204.
Genomic context (GRCh38, chr2:110,661,600, plus strand): 5'-CCACTCACATCACTGTGATCTCTAGGACTACCTTCAGCTTACCCAGCATCTTTGCTGGCC[A>G]CTGCAAACATGGAGTCTGTTACTGTCTGGGCTTTCAAAGGAACAGGAGGAGCAATGCTCT-3'
Protein context (NP_004327.1, residues 390-410): AQTVTDSMFA[Val400Ala]ASKDAGCVNK

ClinVar aggregate classification (germline): Uncertain significance (1 of 4 stars; one submission).

gnomAD v4.1: 1 of 1,614,128 alleles (0.000062%); no homozygotes.

Submission:

Ambry Genetics
Classification: Uncertain significance. Last evaluated: 2023-12-01. Review status: criteria provided, single submitter. Criteria: Ambry Variant Classification Scheme 2023. Collection method: clinical testing. Allele origin: germline.
Comment: The p.V400A variant (also known as c.1199T>C), located in coding exon 10 of the BUB1 gene, results from a T to C substitution at nucleotide position 1199. The valine at codon 400 is replaced by alanine, an amino acid with similar properties. This amino acid position is conserved. In addition, this alteration is predicted to be tolerated by in silico analysis. Since supporting evidence is limited at this time, the clinical significance of this alteration remains unclear.